The following is an entry in ClinVar:

ClinVar aggregate classification (germline): Uncertain significance (1 of 4 stars; one submission).

Conditions:
Arrhythmogenic right ventricular dysplasia 13. Also called: Arrhythmogenic right ventricular dysplasia, familial, 13; ARRHYTHMOGENIC RIGHT VENTRICULAR CARDIOMYOPATHY 13. Identifiers: MedGen C3810138, MONDO:0000908, OMIM 615616.

gnomAD v4.1: 1 of 1,613,926 alleles (0.000062%); highest among the groups gnomAD compares: Non-Finnish European, 0.000085%; no homozygotes.

Submission:

Labcorp Genetics (formerly Invitae), Labcorp
Classification: Uncertain significance for Arrhythmogenic right ventricular dysplasia 13. Last evaluated: 2025-02-04. Review status: criteria provided, single submitter. Criteria: Invitae Variant Classification Sherloc (09022015). Collection method: clinical testing. Allele origin: germline.
Comment: This sequence change replaces proline, which is neutral and non-polar, with leucine, which is neutral and non-polar, at codon 882 of the CTNNA3 protein (p.Pro882Leu). This variant is present in population databases (rs755081926, gnomAD 0.0009%). This variant has not been reported in the literature in individuals affected with CTNNA3-related conditions. Invitae Evidence Modeling of protein sequence and biophysical properties (such as structural, functional, and spatial information, amino acid conservation, physicochemical variation, residue mobility, and thermodynamic stability) indicates that this missense variant is expected to disrupt CTNNA3 protein function with a positive predictive value of 80%. In summary, the available evidence is currently insufficient to determine the role of this variant in disease. Therefore, it has been classified as a Variant of Uncertain Significance.

NM_013266.4(CTNNA3):c.2645C>T (p.Pro882Leu)

Gene: CTNNA3 (catenin alpha 3; minus strand). Cytogenetic location: 10q21.3.
Variant type: single nucleotide variant.
Coding change: c.2645C>T on transcript NM_013266.4 (MANE Select); coding-DNA position 2645, C replaced by T.
Protein change: p.Pro882Leu; replaces proline 882 with leucine.
Molecular consequence: missense variant.
Genome position (GRCh38, 1-based): chr10:65,920,373, G>A on the plus strand (C>T on the coding strand, the complement: CTNNA3 is on the minus strand). VCF-style: chr10-65920373-G-A. GRCh37 (hg19) VCF-style: chr10-67680131-G-A.
Other names: c.2645C>T, p.Pro882Leu (NM_001127384.3); short protein forms P882L.
Identifiers: ClinVar variation 3668753 (VCV003668753.2).